The following is an entry in ClinVar:

ClinVar aggregate classification (germline): Pathogenic/Likely pathogenic. Review status: criteria provided, multiple submitters, no conflicts (2 of 4 stars). 4 submissions from 4 submitters: Pathogenic (3); Likely pathogenic (1). Last evaluated 2025-08-06.

Conditions:
Mitochondrial trifunctional protein deficiency 1 (MTPD1). Identifiers: MedGen CN376812, MONDO:0958181, OMIM 609015.
Mitochondrial trifunctional protein deficiency. Identifiers: Orphanet 746, MedGen C1969443, MONDO:0012172.

Allele frequency attached by ClinVar (database versions not stated): gnomAD 0.00001.
gnomAD v4.1: 5 of 1,587,734 alleles (0.00031%); highest among the groups gnomAD compares: South Asian, 0.0011%; no homozygotes.

Submissions (4):

Labcorp Genetics (formerly Invitae), Labcorp
Classification: Pathogenic for Mitochondrial trifunctional protein deficiency. Last evaluated: 2025-08-06. Review status: criteria provided, single submitter. Criteria: Invitae Variant Classification Sherloc (09022015). Collection method: clinical testing. Allele origin: germline.
Comment: This sequence change replaces asparagine, which is neutral and polar, with aspartic acid, which is acidic and polar, at codon 389 of the HADHB protein (p.Asn389Asp). This variant is not present in population databases (gnomAD no frequency). This missense change has been observed in individual(s) with mitochondrial trifunctional protein deficiency (PMID: 17143551, 21549624). ClinVar contains an entry for this variant (Variation ID: 1691100). Invitae Evidence Modeling of protein sequence and biophysical properties (such as structural, functional, and spatial information, amino acid conservation, physicochemical variation, residue mobility, and thermodynamic stability) indicates that this missense variant is expected to disrupt HADHB protein function with a positive predictive value of 80%. Experimental studies have shown that this missense change affects HADHB function (PMID: 24664533). For these reasons, this variant has been classified as Pathogenic.

Baylor Genetics
Classification: Likely pathogenic for Mitochondrial trifunctional protein deficiency 1. Last evaluated: 2024-01-01. Review status: criteria provided, single submitter. Criteria: ACMG Guidelines, 2015. Collection method: clinical testing. Allele origin: unknown.

Women's Health and Genetics/Laboratory Corporation of America, LabCorp
Classification: Pathogenic for Mitochondrial trifunctional protein deficiency. Last evaluated: 2023-02-28. Review status: criteria provided, single submitter. Criteria: LabCorp Variant Classification Summary - May 2015. Collection method: clinical testing. Allele origin: germline.
Comment: Variant summary: HADHB c.1165A>G (p.Asn389Asp) results in a conservative amino acid change in the encoded protein sequence. Four of five in-silico tools predict a damaging effect of the variant on protein function. The variant was absent in 251410 control chromosomes. c.1165A>G has been reported in the literature in individuals affected with Mitochondrial Trifunctional Protein Deficiency (e.g. Choi_2007, Labarthe_2006, Boutron_2011). These data indicate that the variant is likely to be associated with disease. At least on patient carrying homozygous p.Asn389Asp had <20% of LCHAD and LKAT activity compared to the controls mean (Bourtron _2011). One clinical diagnostic laboratory has submitted clinical-significance assessments for this variant to ClinVar after 2014 without evidence for independent evaluation and classified the variant as pathogenic. Based on the evidence outlined above, the variant was classified as pathogenic.

Vockley Lab, University of Pittsburgh
Classification: Pathogenic for Mitochondrial trifunctional protein deficiency 1. Last evaluated: 2022-06-04. Review status: criteria provided, single submitter. Criteria: ACMG Guidelines, 2015. Collection method: clinical testing, in vitro. Allele origin: germline, not applicable. Inheritance: Autosomal recessive inheritance. Affected: yes. Observed: 1 compound heterozygote. Functional consequence: effect on catalytic protein function.
Comment: The variant herein described is a missense variant c.1165A>G (p.Asn389Asp - p.N389D). It is reported as a disease-causing variant in the HGMD database.

Literature cited by the submitters: PubMed 17143551 (cited by 3 submitters); PubMed 21549624 (cited by Labcorp Genetics (formerly Invitae), Labcorp and Women's Health and Genetics/Laboratory Corporation of America, LabCorp); PubMed 24664533 (cited by Labcorp Genetics (formerly Invitae), Labcorp); PubMed 16523289 (cited by Women's Health and Genetics/Laboratory Corporation of America, LabCorp and Vockley Lab, University of Pittsburgh).

NM_000183.3(HADHB):c.1165A>G (p.Asn389Asp)

Gene: HADHB (hydroxyacyl-CoA dehydrogenase trifunctional multienzyme complex subunit beta; plus strand). Cytogenetic location: 2p23.3.
Variant type: single nucleotide variant.
Coding change: c.1165A>G on transcript NM_000183.3 (MANE Select); coding-DNA position 1165, A replaced by G.
Protein change: p.Asn389Asp; replaces asparagine 389 with aspartic acid.
Molecular consequence: missense variant.
Genome position (GRCh38, 1-based): chr2:26,284,898, A>G. VCF-style: chr2-26284898-A-G. GRCh37 (hg19) VCF-style: chr2-26507766-A-G.
Other names: c.1165A>G (NM_000183.2); c.1120A>G, p.Asn374Asp (NM_001281512.2); c.1099A>G, p.Asn367Asp (NM_001281513.2); short protein forms N367D, N374D, N389D.
Identifiers: ClinVar variation 1691100 (VCV001691100.8), dbSNP rs1023807527, ClinGen allele CA44342258.
Genomic context (GRCh38, chr2:26,284,898, plus strand): 5'-GGAACATGAATAACGAGGTTCTTATTCGATTATTTTCTCTTCCAGGGTCAGATTTTGGCA[A>G]ATTTTAAAGCCATGGATTCTGATTGGTTTGCAGAAAACTACATGGGTAGAAAAACCAAGG-3'
Protein context (NP_000174.1, residues 379-399): HEAFSGQILA[Asn389Asp]FKAMDSDWFA